The following is an entry in ClinVar:

NM_000255.4(MMUT):c.1421G>A (p.Arg474Gln)

Gene: MMUT (methylmalonyl-CoA mutase; minus strand). Cytogenetic location: 6p12.3.
Variant type: single nucleotide variant.
Coding change: c.1421G>A on transcript NM_000255.4 (MANE Select); coding-DNA position 1421, G replaced by A.
Protein change: p.Arg474Gln; replaces arginine 474 with glutamine.
Molecular consequence: missense variant.
Genome position (GRCh38, 1-based): chr6:49,448,839, C>T on the plus strand (G>A on the coding strand, the complement: MMUT is on the minus strand). VCF-style: chr6-49448839-C-T. GRCh37 (hg19) VCF-style: chr6-49416552-C-T.
Other names: short protein forms R474Q.
Identifiers: ClinVar variation 646678 (VCV000646678.5), dbSNP rs368746965, ClinGen allele CA3846886.

ClinVar aggregate classification (germline): Uncertain significance. Review status: criteria provided, multiple submitters, no conflicts (2 of 4 stars). 3 submissions from 3 submitters: Uncertain significance (2). 1 of the submissions does not count toward it. Last evaluated 2022-06-04.

Conditions:
Methylmalonic aciduria due to complete methylmalonyl-CoA mutase deficiency.

Allele frequency attached by ClinVar (database versions not stated): ExAC 0.00002; TOPMed 0.00007; ESP Exome Variant Server 0.00008; gnomAD 0.00010 and 0.00011.
gnomAD v4.1: 49 of 1,613,140 alleles (0.003%); highest among the groups gnomAD compares: African/African-American, 0.02%; no homozygotes.

Submissions (3):

Labcorp Genetics (formerly Invitae), Labcorp
Classification: Uncertain significance. Last evaluated: 2022-06-04. Review status: criteria provided, single submitter. Criteria: Invitae Variant Classification Sherloc (09022015). Collection method: clinical testing. Allele origin: germline.
Comment: This sequence change replaces arginine, which is basic and polar, with glutamine, which is neutral and polar, at codon 474 of the MUT protein (p.Arg474Gln). This variant is present in population databases (rs368746965, gnomAD 0.02%). This variant has not been reported in the literature in individuals affected with MUT-related conditions. ClinVar contains an entry for this variant (Variation ID: 646678). Algorithms developed to predict the effect of missense changes on protein structure and function are either unavailable or do not agree on the potential impact of this missense change (SIFT: "Deleterious"; PolyPhen-2: "Possibly Damaging"; Align-GVGD: "Class C0"). In summary, the available evidence is currently insufficient to determine the role of this variant in disease. Therefore, it has been classified as a Variant of Uncertain Significance.

Ambry Genetics
Classification: Uncertain significance. Last evaluated: 2022-05-09. Review status: criteria provided, single submitter. Criteria: Ambry Variant Classification Scheme 2023. Collection method: clinical testing. Allele origin: germline.

Natera, Inc.
Classification: Uncertain significance for Methylmalonic aciduria due to complete methylmalonyl-CoA mutase deficiency. Last evaluated: 2020-09-16. Review status: no assertion criteria provided. Collection method: clinical testing. Allele origin: germline. Not counted in ClinVar's aggregate classification.